The following is an entry in ClinVar:

ClinVar aggregate classification (germline): Conflicting classifications of pathogenicity. Review status: criteria provided, conflicting classifications (1 of 4 stars). 3 submissions from 3 submitters: Pathogenic (1); Uncertain significance (1). 1 of the submissions does not count toward it. Last evaluated 2024-12-16.

Conditions:
Developmental and epileptic encephalopathy, 44 (DEE44). Also called: Epileptic encephalopathy, early infantile, 44. Identifiers: MedGen C4310700, MONDO:0014933, OMIM 617132.
Spinocerebellar ataxia, autosomal recessive 24 (SCAR24). Identifiers: MedGen C4310699, MONDO:0014934, OMIM 617133.
UBA5-related disorder. Also called: UBA5-related disorders; UBA5-related condition.

Allele frequency attached by ClinVar (database versions not stated): TOPMed 0.00005; gnomAD exomes 0.00004 and 0.00002; ExAC 0.00004; gnomAD 0.00004.
gnomAD v4.1: 40 of 1,613,242 alleles (0.0025%); highest among the groups gnomAD compares: East Asian, 0.049%; no homozygotes.

Submissions (3):

Labcorp Genetics (formerly Invitae), Labcorp
Classification: Pathogenic. Last evaluated: 2024-12-16. Review status: criteria provided, single submitter. Criteria: Invitae Variant Classification Sherloc (09022015). Collection method: clinical testing. Allele origin: germline.
Comment: This sequence change replaces arginine, which is basic and polar, with cysteine, which is neutral and slightly polar, at codon 72 of the UBA5 protein (p.Arg72Cys). This variant is present in population databases (rs778957097, gnomAD 0.04%). This missense change has been observed in individual(s) with clinical features of UBA5-related conditions (PMID: 30078785, 34145886). In at least one individual the data is consistent with being in trans (on the opposite chromosome) from a pathogenic variant. This variant is also known as c.46C>T (p.Arg16Cys). ClinVar contains an entry for this variant (Variation ID: 1409798). Invitae Evidence Modeling of protein sequence and biophysical properties (such as structural, functional, and spatial information, amino acid conservation, physicochemical variation, residue mobility, and thermodynamic stability) indicates that this missense variant is expected to disrupt UBA5 protein function with a positive predictive value of 80%. For these reasons, this variant has been classified as Pathogenic.

Department of Pathology and Laboratory Medicine, Sinai Health System
Classification: Uncertain significance for Developmental and epileptic encephalopathy, 44; Spinocerebellar ataxia, autosomal recessive 24. Last evaluated: 2023-04-06. Review status: criteria provided, single submitter. Criteria: ACMG Guidelines, 2015. Collection method: research. Allele origin: germline.

PreventionGenetics, part of Exact Sciences
Classification: Likely pathogenic for UBA5-related condition. Last evaluated: 2024-05-27. Review status: no assertion criteria provided. Collection method: clinical testing. Allele origin: germline. Not counted in ClinVar's aggregate classification.
Comment: The UBA5 c.214C>T variant is predicted to result in the amino acid substitution p.Arg72Cys. This variant has been reported in the compound heterozygous state in individuals with West syndrome, failure to thrive, cerebral and cerebellar atrophy and epilepsy [Daida et al. 2018. PubMed ID: 30078785; patient 64 in Table S1, Chuan et al. 2022. PubMed ID: 35571021; reported as c.46C>T, p.Arg16Cys using a different transcript (NM_198329) in Table S1, Zou et al. 2021. PubMed ID: 34145886; Zhang et al. 2023. DOI: 10.1186/s42494-023-00139-y]. In vivo and in vitro experimental studies suggest this variant impacts protein function (Pan et al. 2023. PubMed ID: 38079206). An alternative nucleotide change affecting the same amino acid (c.215G>A, p.Arg72His) has also been reported in the compound heterozygous state in an individual with early onset epileptic encephalopathy 44 (Miller et al. 2020. PubMed ID: 32371413). The c.214C>T (p.Arg72Cys) variant is reported in 0.040% of alleles in individuals of East Asian descent in gnomAD. This variant is interpreted as likely pathogenic.

Literature cited by the submitters: PubMed 30078785 (cited by Labcorp Genetics (formerly Invitae), Labcorp); PubMed 34145886 (cited by Labcorp Genetics (formerly Invitae), Labcorp).

NM_024818.6(UBA5):c.214C>T (p.Arg72Cys)

Genes: NPHP3-ACAD11 (NPHP3-ACAD11 readthrough (NMD candidate); minus strand), UBA5 (ubiquitin like modifier activating enzyme 5; plus strand). Cytogenetic location: 3q22.1.
Variant type: single nucleotide variant.
Coding change: c.214C>T on transcript NM_024818.6 (MANE Select); coding-DNA position 214, C replaced by T.
Protein change: p.Arg72Cys; replaces arginine 72 with cysteine.
Molecular consequence: missense variant. On other transcripts: intron variant (2).
Genome position (GRCh38, 1-based): chr3:132,665,990, C>T. VCF-style: chr3-132665990-C-T. GRCh37 (hg19) VCF-style: chr3-132384834-C-T.
Other names: c.46C>T, p.Arg16Cys (NM_001320210.2, NM_198329.4); c.-39-2828C>T (NM_001321239.1); c.28-2828C>T (NM_001321238.2); c.214C>T (NM_024818.4); short protein forms R72C, R16C.
Identifiers: ClinVar variation 1409798 (VCV001409798.7), dbSNP rs778957097, ClinGen allele CA2621304.